The following is an entry in ClinVar:

NM_002693.3(POLG):c.3482+3A>G

Gene: POLG (DNA polymerase gamma, catalytic subunit; minus strand). Cytogenetic location: 15q26.1.
Variant type: single nucleotide variant.
Coding change: c.3482+3A>G on transcript NM_002693.3 (MANE Select); 3 bases into the intron after coding-DNA position 3482, A replaced by G.
Molecular consequence: intron variant.
Genome position (GRCh38, 1-based): chr15:89,318,538, T>C on the plus strand (A>G on the coding strand, the complement: POLG is on the minus strand). VCF-style: chr15-89318538-T-C. GRCh37 (hg19) VCF-style: chr15-89861769-T-C.
Other names: c.3482+3A>G (NM_001126131.2).
Identifiers: ClinVar variation 3645634 (VCV003645634.2).

ClinVar aggregate classification (germline): Uncertain significance (1 of 4 stars; one submission).

Conditions:
Progressive sclerosing poliodystrophy (MTDPS4A). Also called: ALPERS PROGRESSIVE INFANTILE POLIODYSTROPHY; NEURONAL DEGENERATION OF CHILDHOOD WITH LIVER DISEASE, PROGRESSIVE; Alpers Syndrome; ALPERS DIFFUSE DEGENERATION OF CEREBRAL GRAY MATTER WITH HEPATIC CIRRHOSIS; Alpers-Huttenlocher Syndrome; Mitochondrial DNA depletion syndrome 4A (Alpers type). Identifiers: Orphanet 726, MedGen C0205710, MONDO:0008758, OMIM 203700.

gnomAD v4.1: 2 of 1,612,626 alleles (0.00012%); highest among the groups gnomAD compares: Non-Finnish European, 0.000085%; no homozygotes.

Submission:

Labcorp Genetics (formerly Invitae), Labcorp
Classification: Uncertain significance for Progressive sclerosing poliodystrophy. Last evaluated: 2025-01-14. Review status: criteria provided, single submitter. Criteria: Invitae Variant Classification Sherloc (09022015). Collection method: clinical testing. Allele origin: germline.
Comment: This sequence change falls in intron 21 of the POLG gene. It does not directly change the encoded amino acid sequence of the POLG protein. It affects a nucleotide within the consensus splice site. This variant is not present in population databases (gnomAD no frequency). This variant has not been reported in the literature in individuals affected with POLG-related conditions. Variants that disrupt the consensus splice site are a relatively common cause of aberrant splicing (PMID: 17576681, 9536098). Algorithms developed to predict the effect of sequence changes on RNA splicing suggest that this variant is not likely to affect RNA splicing. In summary, the available evidence is currently insufficient to determine the role of this variant in disease. Therefore, it has been classified as a Variant of Uncertain Significance.

Literature cited by the submitters: PubMed 17576681; PubMed 9536098.